The following is an entry in ClinVar:

NM_001371623.1(TCOF1):c.149A>G (p.Tyr50Cys)

Gene: TCOF1 (treacle ribosome biogenesis factor 1; plus strand). Cytogenetic location: 5q32.
Variant type: single nucleotide variant.
Coding change: c.149A>G on transcript NM_001371623.1 (MANE Select); coding-DNA position 149, A replaced by G.
Protein change: p.Tyr50Cys; replaces tyrosine 50 with cysteine.
Molecular consequence: missense variant.
Genome position (GRCh38, 1-based): chr5:150,361,196, A>G. VCF-style: chr5-150361196-A-G. GRCh37 (hg19) VCF-style: chr5-149740759-A-G.
Other names: c.149A>G, p.Tyr50Cys (NM_000356.4, NM_001008657.3, NM_001135243.2 and 3 more transcripts); short protein forms Y50C.
Identifiers: ClinVar variation 3964 (VCV000003964.23), dbSNP rs28941769, ClinGen allele CA252943.

ClinVar aggregate classification (germline): Likely pathogenic. Review status: criteria provided, single submitter (1 of 4 stars). 2 submissions from 2 submitters: Likely pathogenic (1). 1 of the submissions does not count toward it. Last evaluated 2024-01-01.

Conditions:
Treacher Collins syndrome 1 (TCS1). Also called: TCOF1-Related Treacher Collins Syndrome. Identifiers: Orphanet 861, MedGen CN315775, MONDO:0007944, OMIM 154500.

Submissions (2):

CeGaT Center for Human Genetics Tuebingen
Classification: Likely pathogenic. Last evaluated: 2024-01-01. Review status: criteria provided, single submitter. Criteria: CeGaT Center For Human Genetics Tuebingen Variant Classification Criteria Version 2. Collection method: clinical testing. Allele origin: germline. Affected: yes. Observed: 1 variant allele.
Comment: TCOF1: PS2, PM2, PS4:Moderate

OMIM
Classification: Pathogenic for TREACHER COLLINS SYNDROME 1. Last evaluated: 2002-07-01. Review status: no assertion criteria provided. Collection method: literature only. Allele origin: germline. Not counted in ClinVar's aggregate classification.

Literature cited by the submitters: PubMed 12114482 (cited by OMIM).